The following is an entry in ClinVar:

NM_001384732.1(CPLANE1):c.494T>G (p.Ile165Arg)

Gene: CPLANE1 (ciliogenesis and planar polarity effector complex subunit 1; minus strand). Cytogenetic location: 5p13.2.
Variant type: single nucleotide variant.
Coding change: c.494T>G on transcript NM_001384732.1 (MANE Select); coding-DNA position 494, T replaced by G.
Protein change: p.Ile165Arg; replaces isoleucine 165 with arginine.
Molecular consequence: missense variant.
Genome position (GRCh38, 1-based): chr5:37,244,451, A>C on the plus strand (T>G on the coding strand, the complement: CPLANE1 is on the minus strand). VCF-style: chr5-37244451-A-C. GRCh37 (hg19) VCF-style: chr5-37244553-A-C.
Other names: c.494T>G, p.Ile165Arg (NM_023073.4); short protein forms I165R.
Identifiers: ClinVar variation 1445050 (VCV001445050.5), dbSNP rs968241708, ClinGen allele CA359521493.

ClinVar aggregate classification (germline): Uncertain significance (1 of 4 stars; one submission).

Allele frequency attached by ClinVar (database versions not stated): gnomAD exomes 0.00001.
gnomAD v4.1: 8 of 1,551,544 alleles (0.00052%); highest among the groups gnomAD compares: Non-Finnish European, 0.0007%; no homozygotes.

Submission:

Labcorp Genetics (formerly Invitae), Labcorp
Classification: Uncertain significance. Last evaluated: 2021-08-16. Review status: criteria provided, single submitter. Criteria: Invitae Variant Classification Sherloc (09022015). Collection method: clinical testing. Allele origin: germline.
Comment: In summary, the available evidence is currently insufficient to determine the role of this variant in disease. Therefore, it has been classified as a Variant of Uncertain Significance. Algorithms developed to predict the effect of sequence changes on RNA splicing suggest that this variant may create or strengthen a splice site. Advanced modeling of protein sequence and biophysical properties (such as structural, functional, and spatial information, amino acid conservation, physicochemical variation, residue mobility, and thermodynamic stability) performed at Invitae indicates that this missense variant is not expected to disrupt CPLANE1 protein function. This variant has not been reported in the literature in individuals affected with CPLANE1-related conditions. This variant is not present in population databases (ExAC no frequency). This sequence change replaces isoleucine with arginine at codon 165 of the CPLANE1 protein (p.Ile165Arg). The isoleucine residue is weakly conserved and there is a moderate physicochemical difference between isoleucine and arginine.